The following is an entry in ClinVar:

ClinVar aggregate classification (germline): Uncertain significance. Review status: criteria provided, multiple submitters, no conflicts (2 of 4 stars). 2 submissions from 2 submitters: Uncertain significance (2). Last evaluated 2024-12-03.

Conditions:
Familial adenomatous polyposis 1 (FAP1). Also called: FAMILIAL ADENOMATOUS POLYPOSIS 1, ATTENUATED; POLYPOSIS, ADENOMATOUS INTESTINAL. Identifiers: MedGen C2713442, MONDO:0021056, OMIM 175100. Disease mechanism: loss of function.
Hereditary cancer-predisposing syndrome. Also called: Neoplastic Syndromes, Hereditary; Hereditary Cancer Syndrome; Hereditary neoplastic syndrome; Tumor predisposition. Identifiers: Orphanet 140162, MedGen C0027672, MeSH D009386, MONDO:0015356.

Submissions (2):

Labcorp Genetics (formerly Invitae), Labcorp
Classification: Uncertain significance for Familial adenomatous polyposis 1. Last evaluated: 2024-12-03. Review status: criteria provided, single submitter. Criteria: Invitae Variant Classification Sherloc (09022015). Collection method: clinical testing. Allele origin: germline.
Comment: This sequence change replaces histidine, which is basic and polar, with leucine, which is neutral and non-polar, at codon 785 of the APC protein (p.His785Leu). This variant is not present in population databases (gnomAD no frequency). This variant has not been reported in the literature in individuals affected with APC-related conditions. ClinVar contains an entry for this variant (Variation ID: 1435337). Invitae Evidence Modeling of protein sequence and biophysical properties (such as structural, functional, and spatial information, amino acid conservation, physicochemical variation, residue mobility, and thermodynamic stability) indicates that this missense variant is not expected to disrupt APC protein function with a negative predictive value of 95%. In summary, the available evidence is currently insufficient to determine the role of this variant in disease. Therefore, it has been classified as a Variant of Uncertain Significance.

Ambry Genetics
Classification: Uncertain significance for Hereditary cancer-predisposing syndrome. Last evaluated: 2024-04-19. Review status: criteria provided, single submitter. Criteria: Ambry Variant Classification Scheme 2023. Collection method: clinical testing. Allele origin: germline.
Comment: The p.H785L variant (also known as c.2354A>T), located in coding exon 15 of the APC gene, results from an A to T substitution at nucleotide position 2354. The histidine at codon 785 is replaced by leucine, an amino acid with similar properties. This amino acid position is conserved. In addition, in silico predictors for this gene do not accurately predict pathogenicity. Based on the available evidence, the clinical significance of this variant remains unclear.

NM_000038.6(APC):c.2354A>T (p.His785Leu)

Gene: APC (APC regulator of Wnt signaling pathway; plus strand). Cytogenetic location: 5q22.2.
Variant type: single nucleotide variant.
Coding change: c.2354A>T on transcript NM_000038.6 (MANE Select); coding-DNA position 2354, A replaced by T.
Protein change: p.His785Leu; replaces histidine 785 with leucine.
Molecular consequence: missense variant.
Genome position (GRCh38, 1-based): chr5:112,837,948, A>T. VCF-style: chr5-112837948-A-T. GRCh37 (hg19) VCF-style: chr5-112173645-A-T.
Other names: c.2354A>T, p.His785Leu (NM_001127510.3, NM_001354895.2); c.2300A>T, p.His767Leu (NM_001127511.3); c.2408A>T, p.His803Leu (NM_001354896.2); c.2384A>T, p.His795Leu (NM_001354897.2); c.2279A>T, p.His760Leu (NM_001354898.2); c.2270A>T, p.His757Leu (NM_001354899.2); c.2231A>T, p.His744Leu (NM_001354900.2); c.2177A>T, p.His726Leu (NM_001354901.2); and 6 more; short protein forms H502L, H726L, H744L, H760L, H684L, H694L, H785L, H795L.
Identifiers: ClinVar variation 1435337 (VCV001435337.9), dbSNP rs1765161032, ClinGen allele CA16026499.